The following is an entry in ClinVar:

NM_031433.4(MFRP):c.662_663insT (p.Thr223fs)

Genes: C1QTNF5 (C1q and TNF related 5; minus strand), MFRP (membrane frizzled-related protein; minus strand). Cytogenetic location: 11q23.3.
Variant type: Insertion.
Coding change: c.662_663insT on transcript NM_031433.4 (MANE Select); coding-DNA positions 662 to 663, T inserted.
Protein change: p.Thr223fs; shifts the reading frame from threonine 223.
Molecular consequence: frameshift variant. On other transcripts: 5 prime UTR variant (1).
Genome position: GRCh38 VCF-style: chr11-119344983-G-GA. GRCh37 (hg19) VCF-style: chr11-119215693-G-GA.
Other names: c.-1975_-1974insT (NM_015645.5); short protein forms T223fs.
Identifiers: ClinVar variation 1706425 (VCV001706425.7), dbSNP rs930359553, ClinGen allele CA229677676.

ClinVar aggregate classification (germline): Pathogenic. Review status: criteria provided, multiple submitters, no conflicts (2 of 4 stars). 2 submissions from 2 submitters: Pathogenic (2). Last evaluated 2022-10-05.

Conditions:
Isolated microphthalmia 5. Also called: Posterior Microphthalmia with Retinitis Pigmentosa, Foveoschisis, and Optic Disc Drusen. Identifiers: Orphanet 251279, MedGen C1970236, MONDO:0012605, OMIM 611040.

Allele frequency attached by ClinVar (database versions not stated): gnomAD 0.00001; gnomAD exomes below 0.00001; TOPMed 0.00001.

Submissions (2):

Labcorp Genetics (formerly Invitae), Labcorp
Classification: Pathogenic for Isolated microphthalmia 5. Last evaluated: 2022-10-05. Review status: criteria provided, single submitter. Criteria: Invitae Variant Classification Sherloc (09022015). Collection method: clinical testing. Allele origin: germline.
Comment: This sequence change creates a premature translational stop signal (p.Thr223Hisfs*16) in the MFRP gene. It is expected to result in an absent or disrupted protein product. Loss-of-function variants in MFRP are known to be pathogenic (PMID: 12140190, 15976030, 20361016). For these reasons, this variant has been classified as Pathogenic. This premature translational stop signal has been observed in individual(s) with microphthalmia (PMID: 23127749). This variant is present in population databases (no rsID available, gnomAD 0.002%).

GeneDx
Classification: Pathogenic. Last evaluated: 2022-09-14. Review status: criteria provided, single submitter. Criteria: GeneDx Variant Classification Process June 2021. Collection method: clinical testing. Allele origin: germline. Affected: yes.
Comment: Frameshift variant predicted to result in protein truncation or nonsense mediated decay in a gene for which loss-of-function is a known mechanism of disease; Not observed at a significant frequency in large population cohorts (gnomAD); Has not been previously published as pathogenic or benign to our knowledge

Literature cited by the submitters: PubMed 12140190 (cited by Labcorp Genetics (formerly Invitae), Labcorp); PubMed 15976030 (cited by Labcorp Genetics (formerly Invitae), Labcorp); PubMed 20361016 (cited by Labcorp Genetics (formerly Invitae), Labcorp); PubMed 23127749 (cited by Labcorp Genetics (formerly Invitae), Labcorp).